The following is an entry in ClinVar:

NM_181332.3(NLGN4X):c.68C>T (p.Ser23Phe)

Gene: NLGN4X (neuroligin 4 X-linked; minus strand). Cytogenetic location: Xp22.31.
Variant type: single nucleotide variant.
Coding change: c.68C>T on transcript NM_181332.3 (MANE Select); coding-DNA position 68, C replaced by T.
Protein change: p.Ser23Phe; replaces serine 23 with phenylalanine.
Molecular consequence: missense variant.
Genome position (GRCh38, 1-based): chrX:6,151,399, G>A on the plus strand (C>T on the coding strand, the complement: NLGN4X is on the minus strand). VCF-style: chrX-6151399-G-A. GRCh37 (hg19) VCF-style: chrX-6069440-G-A.
Other names: c.68C>T, p.Ser23Phe (NM_001282145.2, NM_001282146.2, NM_001441322.1 and 4 more transcripts); short protein forms S23F.
Identifiers: ClinVar variation 5008929 (VCV005008929.1).
Genomic context (GRCh38, chrX:6,151,399, plus strand): 5'-GCTTGGCTGTCAATGAGGGTGAACTTGATGGCAAGAGCAGTTAACCACAGGAGGACATTG[G>A]AGTTTAACATGACGCAGACCGGGGTGAACAACAAAGGAAGCCATAGCAGTCCCTGGGGCC-3'
Protein context (NP_851849.1, residues 13-33): LFTPVCVMLN[Ser23Phe]NVLLWLTALA

ClinVar aggregate classification (germline): Uncertain significance (1 of 4 stars; one submission).

Submission:

GeneDx
Classification: Uncertain significance. Last evaluated: 2026-03-10. Review status: criteria provided, single submitter. Criteria: GeneDx Variant Classification Process June 2021. Collection method: clinical testing. Allele origin: germline.
Comment: Not observed at significant frequency in large population cohorts (gnomAD); In silico analysis suggests that this missense variant does not alter protein structure/function; Has not been previously published as pathogenic or benign to our knowledge